The following is an entry in ClinVar:

NM_001164508.2(NEB):c.2310+5G>A

Gene: NEB (nebulin; minus strand). Cytogenetic location: 2q23.3.
Variant type: single nucleotide variant.
Coding change: c.2310+5G>A on transcript NM_001164508.2 (MANE Select); 5 bases into the intron after coding-DNA position 2310, G replaced by A.
Molecular consequence: intron variant.
Genome position (GRCh38, 1-based): chr2:151,690,722, C>T on the plus strand (G>A on the coding strand, the complement: NEB is on the minus strand). VCF-style: chr2-151690722-C-T. GRCh37 (hg19) VCF-style: chr2-152547236-C-T.
Other names: c.2310+5G>A (NM_004543.5, NM_001164507.2, NM_001271208.2).
Identifiers: ClinVar variation 2581336 (VCV002581336.3), dbSNP rs2099542243, ClinGen allele CA913203562.

ClinVar aggregate classification (germline): Conflicting classifications of pathogenicity. Review status: criteria provided, conflicting classifications (1 of 4 stars). 3 submissions from 3 submitters: Likely pathogenic (2); Uncertain significance (1). Last evaluated 2025-03-21.

Conditions:
Nemaline myopathy. Also called: Myopathies, Nemaline. Identifiers: Orphanet 607, MedGen C0206157, MONDO:0018958.

Allele frequency attached by ClinVar (database versions not stated): gnomAD exomes below 0.00001; TOPMed below 0.00001.
gnomAD v4.1: 3 of 1,576,286 alleles (0.00019%); highest among the groups gnomAD compares: Non-Finnish European, 0.00017%; no homozygotes.

Submissions (3):

Broad Center for Mendelian Genomics, Broad Institute of MIT and Harvard
Classification: Likely pathogenic for Nemaline myopathy. Last evaluated: 2025-03-21. Review status: criteria provided, single submitter. Criteria: ACMG Guidelines, 2015. Collection method: curation. Allele origin: germline. Inheritance: Autosomal recessive inheritance.
Comment: The c.2310+5G>A variant in NEB has been reported, in the compound heterozygous state, in 1 individual with nemaline myopathy (PMID: 30517146), and has been identified in 0.003% (1/28968) of Ashkenazi Jewish chromosomes by the Genome Aggregation Database (gnomAD; dbSNP ID: rs2099542243). Although this variant has been seen in the general population in a heterozygous state, its frequency is low enough to be consistent with a recessive carrier frequency. This variant has also been reported in ClinVar (Variation ID: 2581336) and has been interpreted as likely pathogenic by Women's Health and Genetics/Laboratory Corporation of America. This variant is located in the 3' splice region. Computational tools predict a splicing impact, though this information is not predictive enough to determine pathogenicity. A cDNA-based splicing assay performed on unaffected tissues shows in-frame exon skipping of exon 24. The phenotype of individuals heterozygous for this variant is highly specific for nemaline myopathy based on the presence of nemaline rods on a muscle biopsy consistent with disease (PMID: 30517146). In summary, although additional studies are required to fully establish its clinical significance, this variant is likely pathogenic for autosomal recessive nemaline myopathy. ACMG/AMP Criteria applied: PM3, PVS1_moderate, PP4, PM2_supporting (Richards 2015).

Blueprint Genetics
Classification: Uncertain significance. Last evaluated: 2023-12-11. Review status: criteria provided, single submitter. Criteria: ACMG Guidelines, 2015. Collection method: clinical testing. Allele origin: germline.

Women's Health and Genetics/Laboratory Corporation of America, LabCorp
Classification: Likely pathogenic for Nemaline myopathy. Last evaluated: 2023-08-24. Review status: criteria provided, single submitter. Criteria: LabCorp Variant Classification Summary - May 2015. Collection method: clinical testing. Allele origin: germline.
Comment: Variant summary: NEB c.2310+5G>A alters a conserved nucleotide located close to a canonical splice site and therefore could affect mRNA splicing, leading to a significantly altered protein sequence. Several computational tools predict a significant impact on normal splicing: Two predict the variant abolishes a canonical 5' splicing donor site and two predict the variant weakens this site. At least one publication reports experimental evidence that this variant affects mRNA splicing (Moreau-Le Lan_2018), producing a shorter transcript expected to result in an in-frame deletion of 33 amino acids. The variant was absent in 202314 control chromosomes (gnomAD). c.2310+5G>A has been reported in the literature in an individual affected with Nemaline Myopathy who was compound heterozygous with a truncating variant (Moreau-Le Lan_2018). These data suggest the variant may be associated with disease. The following publication has been ascertained in the context of this evaluation (PMID: 30517146). No submitters have cited clinical-significance assessments for this variant to ClinVar after 2014. Based on the evidence outlined above, the variant was classified as likely pathogenic.

Literature cited by the submitters: PubMed 30517146 (cited by Women's Health and Genetics/Laboratory Corporation of America, LabCorp).